The following is an entry in ClinVar:

ClinVar aggregate classification (germline): Likely benign. Review status: criteria provided, multiple submitters, no conflicts (2 of 4 stars). 3 submissions from 3 submitters: Likely benign (3). Last evaluated 2025-10-23.

gnomAD v4.1: 57 of 1,596,428 alleles (0.0036%); highest among the groups gnomAD compares: South Asian, 0.058%; no homozygotes.

Submissions (3):

Mayo Clinic Laboratories, Mayo Clinic
Classification: Likely benign. Last evaluated: 2025-10-23. Review status: criteria provided, single submitter. Criteria: ACMG Guidelines, 2015. Collection method: clinical testing. Allele origin: germline. Observed: 1 variant allele.
Comment: BP4, BP7

CeGaT Center for Human Genetics Tuebingen
Classification: Likely benign. Last evaluated: 2025-09-01. Review status: criteria provided, single submitter. Criteria: CeGaT Center For Human Genetics Tuebingen Variant Classification Criteria Version 2. Collection method: clinical testing. Allele origin: germline. Affected: yes. Observed: 1 variant allele.
Comment: AEBP1: BP4, BP7

Labcorp Genetics (formerly Invitae), Labcorp
Classification: Likely benign. Last evaluated: 2025-01-07. Review status: criteria provided, single submitter. Criteria: Invitae Variant Classification Sherloc (09022015). Collection method: clinical testing. Allele origin: germline.

NM_001129.5(AEBP1):c.1731G>A (p.Val577=)

Gene: AEBP1 (AE binding protein 1; plus strand). Cytogenetic location: 7p13.
Variant type: single nucleotide variant.
Coding change: c.1731G>A on transcript NM_001129.5 (MANE Select); coding-DNA position 1731, G replaced by A.
Protein change: p.Val577=; no amino-acid change (valine 577 retained).
Molecular consequence: synonymous variant.
Genome position (GRCh38, 1-based): chr7:44,111,521, G>A. VCF-style: chr7-44111521-G-A. GRCh37 (hg19) VCF-style: chr7-44151120-G-A.
Other names: p.Val577=.
Identifiers: ClinVar variation 3629404 (VCV003629404.10).